The following is an entry in ClinVar:

ClinVar aggregate classification (germline): Uncertain significance (1 of 4 stars; one submission).

Submission:

GeneDx
Classification: Uncertain significance. Last evaluated: 2024-05-21. Review status: criteria provided, single submitter. Criteria: GeneDx Variant Classification Process June 2021. Collection method: clinical testing. Allele origin: germline. Affected: yes.
Comment: Not observed at significant frequency in large population cohorts (gnomAD); In silico analysis supports that this missense variant has a deleterious effect on protein structure/function; Has not been previously published as pathogenic or benign to our knowledge

NM_000540.3(RYR1):c.1900A>G (p.Thr634Ala)

Gene: RYR1 (ryanodine receptor 1; plus strand). Cytogenetic location: 19q13.2.
Variant type: single nucleotide variant.
Coding change: c.1900A>G on transcript NM_000540.3 (MANE Select); coding-DNA position 1900, A replaced by G.
Protein change: p.Thr634Ala; replaces threonine 634 with alanine.
Molecular consequence: missense variant.
Genome position (GRCh38, 1-based): chr19:38,457,605, A>G. VCF-style: chr19-38457605-A-G. GRCh37 (hg19) VCF-style: chr19-38948245-A-G.
Other names: c.1900A>G, p.Thr634Ala (NM_001042723.2); short protein forms T634A.
Identifiers: ClinVar variation 3381733 (VCV003381733.1).